The following is an entry in ClinVar:

NM_004655.4(AXIN2):c.1466C>A (p.Pro489His)

Gene: AXIN2 (axin 2; minus strand). Cytogenetic location: 17q24.1.
Variant type: single nucleotide variant.
Coding change: c.1466C>A on transcript NM_004655.4 (MANE Select); coding-DNA position 1466, C replaced by A.
Protein change: p.Pro489His; replaces proline 489 with histidine.
Molecular consequence: missense variant.
Genome position (GRCh38, 1-based): chr17:65,537,570, G>T on the plus strand (C>A on the coding strand, the complement: AXIN2 is on the minus strand). VCF-style: chr17-65537570-G-T. GRCh37 (hg19) VCF-style: chr17-63533688-G-T.
Other names: c.1466C>A, p.Pro489His (NM_001363813.1); short protein forms P489H.
Identifiers: ClinVar variation 3224371 (VCV003224371.1), dbSNP rs2144462067, ClinGen allele CA400677444.
Genomic context (GRCh38, chr17:65,537,570, plus strand): 5'-TGCTTGGTCACAAAGCCTTTGCCCCCGAGGAGGGGGCAGGCGCCCGGCGAGGCGGCCGCG[G>T]GAGGCAGCTTGCCACCGGGCGGGAGCAGGGAGTGGTACTGCGAATGGTGGTGGTGGTGGT-3'
Protein context (NP_004646.3, residues 479-499): SLLPPGGKLP[Pro489His]AAASPGACPL

ClinVar aggregate classification (germline): Uncertain significance (1 of 4 stars; one submission).

Conditions:
Hereditary cancer-predisposing syndrome. Also called: Tumor predisposition; Hereditary neoplastic syndrome; Hereditary Cancer Syndrome; Neoplastic Syndromes, Hereditary. Identifiers: Orphanet 140162, MedGen C0027672, MeSH D009386, MONDO:0015356.

Submission:

Ambry Genetics
Classification: Uncertain significance for Hereditary cancer-predisposing syndrome. Last evaluated: 2023-12-22. Review status: criteria provided, single submitter. Criteria: Ambry Variant Classification Scheme 2023. Collection method: clinical testing. Allele origin: germline.
Comment: The p.P489H variant (also known as c.1466C>A), located in coding exon 5 of the AXIN2 gene, results from a C to A substitution at nucleotide position 1466. The proline at codon 489 is replaced by histidine, an amino acid with similar properties. This amino acid position is conserved. In addition, this alteration is predicted to be tolerated by in silico analysis. Since supporting evidence is limited at this time, the clinical significance of this alteration remains unclear.